The following is an entry in ClinVar:

ClinVar aggregate classification (germline): Pathogenic/Likely pathogenic. Review status: criteria provided, multiple submitters, no conflicts (2 of 4 stars). 4 submissions from 4 submitters: Pathogenic (1); Likely pathogenic (1). 2 of the submissions do not count toward it. Last evaluated 2021-08-17.

Conditions:
GJB1-related disorder. Also called: GJB1-related disorders; GJB1-related condition.
Charcot-Marie-Tooth disease. Also called: Charcot-Marie-Tooth Hereditary Neuropathy; Charcot-Marie-Tooth Neuropathy. Identifiers: Orphanet 166, MedGen C0007959, MONDO:0015626.
Charcot-Marie-Tooth disease X-linked dominant 1. Also called: CHARCOT-MARIE-TOOTH NEUROPATHY, X-LINKED, 1; CHARCOT-MARIE-TOOTH PERONEAL MUSCULAR ATROPHY, X-LINKED; Charcot-Marie-Tooth Neuropathy X Type 1; GJB1 Disorders: Charcot-Marie-Tooth Neuropathy (CMT1X) and Central Nervous System Phenotypes; X-linked Charcot-Marie-Tooth disease type 1; HEREDITARY MOTOR AND SENSORY NEUROPATHY, X-LINKED. Identifiers: Orphanet 101075, MedGen C0393808, MONDO:0010549, OMIM 302800.

Submissions (4):

Blueprint Genetics
Classification: Pathogenic for GJB1-related disorders. Last evaluated: 2021-08-17. Review status: criteria provided, single submitter. Criteria: ACMG Guidelines, 2015. Collection method: clinical testing. Allele origin: germline. Affected: yes. Observed: 1 variant allele.

GeneDx
Classification: Likely pathogenic. Last evaluated: 2016-01-21. Review status: criteria provided, single submitter. Criteria: GeneDx Variant Classification (06012015). Collection method: clinical testing. Allele origin: germline. Affected: yes.
Comment: The C179Y variant in the GJB1 gene has been reported previously in association with Charcot-Marie-Tooth type X1 disease (CMTX1) (Casasnovas et al., 2006). The C179Y variant was not observed in approximately 6,500 individuals of European and African American ancestry in the NHLBI Exome Sequencing Project, indicating it is not a common benign variant in these populations. The C179Y variant is a non-conservative amino acid substitution, which is likely to impact secondary protein structure as these residues differ in polarity, charge, size, and/or other properties. This substitution occurs at a position that is conserved across species. Different missense variants in the same codon (C179G/R) as well as multiple missense variants in nearby residues have been reported in the Human Gene Mutation Database in association with GJB1-related disorders (Stenson et al., 2014), supporting the functional importance of this region of the protein. In silico analysis predicts this variant is probably damaging to the protein structure/function. This variant is likely pathogenic; however, the possibility that it is benign cannot be excluded.

GeneReviews
No classification provided. Condition: Charcot-Marie-Tooth disease X-linked dominant 1. Review status: no classification provided. Collection method: literature only. Allele origin: unknown. Not counted in ClinVar's aggregate classification.

Inherited Neuropathy Consortium
Classification: Uncertain significance for Charcot-Marie-Tooth disease. Review status: no assertion criteria provided. Collection method: literature only. Allele origin: germline. Affected: yes. Not counted in ClinVar's aggregate classification.

Literature cited by the submitters: PubMed 20301548 (cited by GeneReviews); NCBI Bookshelf NBK1374 (cited by GeneReviews); PubMed 17100997 (cited by Inherited Neuropathy Consortium).

NM_000166.6(GJB1):c.536G>A (p.Cys179Tyr)

Gene: GJB1 (gap junction protein beta 1; plus strand). Cytogenetic location: Xq13.1.
Variant type: single nucleotide variant.
Coding change: c.536G>A on transcript NM_000166.6 (MANE Select); coding-DNA position 536, G replaced by A.
Protein change: p.Cys179Tyr; replaces cysteine 179 with tyrosine.
Molecular consequence: missense variant.
Genome position (GRCh38, 1-based): chrX:71,224,243, G>A. VCF-style: chrX-71224243-G-A. GRCh37 (hg19) VCF-style: chrX-70444093-G-A.
Other names: c.536G>A, p.Cys179Tyr (NM_001097642.3); short protein forms C179Y.
Identifiers: ClinVar variation 21085 (VCV000021085.6), dbSNP rs116840822, ClinGen allele CA341605.